The following is an entry in ClinVar:

NM_001942.4(DSG1):c.2984G>A (p.Gly995Asp)

Genes: DSG1 (desmoglein 1; plus strand), DSG1-AS1 (DSG1 antisense RNA 1; minus strand). Cytogenetic location: 18q12.1.
Variant type: single nucleotide variant.
Coding change: c.2984G>A on transcript NM_001942.4 (MANE Select); coding-DNA position 2984, G replaced by A.
Protein change: p.Gly995Asp; replaces glycine 995 with aspartic acid.
Molecular consequence: missense variant.
Genome position (GRCh38, 1-based): chr18:31,355,180, G>A. VCF-style: chr18-31355180-G-A. GRCh37 (hg19) VCF-style: chr18-28935143-G-A.
Other names: short protein forms G995D.
Identifiers: ClinVar variation 2117714 (VCV002117714.4), dbSNP rs1335235171, ClinGen allele CA402125367.
Genomic context (GRCh38, chr18:31,355,180, plus strand): 5'-GCAGCAGTGGCCTGGTTGGCACCAGCATGGGTGCTGGGAGCGGTGCCCTGAGTGGAGCTG[G>A]CATAAGTGGTGGTGGCATTGGCCTGAGCAGCTTGGGAGGGACAGCCAGCATTGGCCACAT-3'
Protein context (NP_001933.2, residues 985-1005): GAGSGALSGA[Gly995Asp]ISGGGIGLSS

ClinVar aggregate classification (germline): Uncertain significance (1 of 4 stars; one submission).

gnomAD v4.1: 13 of 1,603,738 alleles (0.00081%); highest among the groups gnomAD compares: Non-Finnish European, 0.0011%; no homozygotes.

Submission:

Labcorp Genetics (formerly Invitae), Labcorp
Classification: Uncertain significance. Last evaluated: 2024-02-23. Review status: criteria provided, single submitter. Criteria: Invitae Variant Classification Sherloc (09022015). Collection method: clinical testing. Allele origin: germline.
Comment: This sequence change replaces glycine, which is neutral and non-polar, with aspartic acid, which is acidic and polar, at codon 995 of the DSG1 protein (p.Gly995Asp). This variant is present in population databases (no rsID available, gnomAD 0.0009%). This variant has not been reported in the literature in individuals affected with DSG1-related conditions. ClinVar contains an entry for this variant (Variation ID: 2117714). An algorithm developed to predict the effect of missense changes on protein structure and function (PolyPhen-2) suggests that this variant is likely to be tolerated. In summary, the available evidence is currently insufficient to determine the role of this variant in disease. Therefore, it has been classified as a Variant of Uncertain Significance.